The following is an entry in ClinVar:

ClinVar aggregate classification (germline): Conflicting classifications of pathogenicity. Review status: criteria provided, conflicting classifications (1 of 4 stars). 3 submissions from 3 submitters: Pathogenic (1); Uncertain significance (1). 1 of the submissions does not count toward it. Last evaluated 2024-03-11.

Conditions:
Wolcott-Rallison dysplasia. Also called: MED-IDDM SYNDROME; Wolcott-Rallison syndrome. Identifiers: Orphanet 1667, MedGen C0432217, MONDO:0009192, OMIM 226980.

gnomAD v4.1: 2 of 1,603,368 alleles (0.00012%); highest among the groups gnomAD compares: South Asian, 0.0011%; no homozygotes.

Submissions (3):

Labcorp Genetics (formerly Invitae), Labcorp
Classification: Pathogenic. Last evaluated: 2024-03-11. Review status: criteria provided, single submitter. Criteria: Invitae Variant Classification Sherloc (09022015). Collection method: clinical testing. Allele origin: germline.
Comment: This sequence change replaces arginine, which is basic and polar, with glutamine, which is neutral and polar, at codon 588 of the EIF2AK3 protein (p.Arg588Gln). This variant also falls at the last nucleotide of exon 10, which is part of the consensus splice site for this exon. This variant is not present in population databases (gnomAD no frequency). This missense change has been observed in individuals with Wolcott-Rallison syndrome (PMID: 10932183, 26860746, 28652565). It has also been observed to segregate with disease in related individuals. This variant is also known as R587Q. ClinVar contains an entry for this variant (Variation ID: 5875). An algorithm developed to predict the effect of missense changes on protein structure and function (PolyPhen-2) suggests that this variant is likely to be disruptive. Experimental studies have shown that this missense change affects EIF2AK3 function (PMID: 15220213). Variants that disrupt the consensus splice site are a relatively common cause of aberrant splicing (PMID: 17576681, 9536098). Algorithms developed to predict the effect of sequence changes on RNA splicing suggest that this variant may disrupt the consensus splice site. For these reasons, this variant has been classified as Pathogenic.

Juno Genomics, Hangzhou Juno Genomics, Inc
Classification: Uncertain significance for Wolcott-Rallison dysplasia. Review status: criteria provided, single submitter. Criteria: ACMG Guidelines, 2015. Collection method: clinical testing. Allele origin: germline.
Comment: Absent from controls (or at extremely low frequency if recessive) in Genome Aggregation Database.;Multiple lines of computational evidence support a deleterious effect on the gene or gene product.;For recessive disorders, detected in trans with a pathogenic variant.;Patient's phenotype or family history is highly specific for a disease with a single genetic etiology.

OMIM
Classification: Pathogenic for WOLCOTT-RALLISON SYNDROME. Last evaluated: 2000-08-01. Review status: no assertion criteria provided. Collection method: literature only. Allele origin: germline. Not counted in ClinVar's aggregate classification.

Literature cited by the submitters: PubMed 10932183 (cited by Labcorp Genetics (formerly Invitae), Labcorp and OMIM); PubMed 26860746 (cited by Labcorp Genetics (formerly Invitae), Labcorp); PubMed 28652565 (cited by Labcorp Genetics (formerly Invitae), Labcorp); PubMed 15220213 (cited by Labcorp Genetics (formerly Invitae), Labcorp); PubMed 17576681 (cited by Labcorp Genetics (formerly Invitae), Labcorp); PubMed 9536098 (cited by Labcorp Genetics (formerly Invitae), Labcorp).

NM_004836.7(EIF2AK3):c.1763G>A (p.Arg588Gln)

Gene: EIF2AK3 (eukaryotic translation initiation factor 2 alpha kinase 3; minus strand). Cytogenetic location: 2p11.2.
Variant type: single nucleotide variant.
Coding change: c.1763G>A on transcript NM_004836.7 (MANE Select); coding-DNA position 1763, G replaced by A.
Protein change: p.Arg588Gln; replaces arginine 588 with glutamine.
Molecular consequence: missense variant.
Genome position (GRCh38, 1-based): chr2:88,583,430, C>T on the plus strand (G>A on the coding strand, the complement: EIF2AK3 is on the minus strand). VCF-style: chr2-88583430-C-T. GRCh37 (hg19) VCF-style: chr2-88882948-C-T.
Other names: R587Q; c.1310G>A, p.Arg437Gln (NM_001313915.2); short protein forms R588Q, R437Q.
Identifiers: ClinVar variation 5875 (VCV000005875.5), dbSNP rs121908569, ClinGen allele CA117825.
Genomic context (GRCh38, chr2:88,583,430, plus strand): 5'-AACAAGATCTTAGGTCATTTCTTCTTTGATTCAGATGGTTGTATTTTATAAGACTCTTAC[C>T]GTGATATATATCCAGAGTTTTTTATGTCATTCCAGCTACTGTCATTGGCTTCACCACTTA-3'
Protein context (NP_004827.4, residues 578-598): NDIKNSGYIS[Arg588Gln]YLTDFEPIQC